The following is an entry in ClinVar:

NM_005876.5(SPEG):c.2439C>T (p.Pro813=)

Gene: SPEG (striated muscle enriched protein kinase; plus strand). Cytogenetic location: 2q35.
Variant type: single nucleotide variant.
Coding change: c.2439C>T on transcript NM_005876.5 (MANE Select); coding-DNA position 2439, C replaced by T.
Protein change: p.Pro813=; no amino-acid change (proline 813 retained).
Molecular consequence: synonymous variant.
Genome position (GRCh38, 1-based): chr2:219,451,806, C>T. VCF-style: chr2-219451806-C-T. GRCh37 (hg19) VCF-style: chr2-220316528-C-T.
Identifiers: ClinVar variation 1518697 (VCV001518697.31), dbSNP rs372257767, ClinGen allele CA2125832.

ClinVar aggregate classification (germline): Conflicting classifications of pathogenicity. Review status: criteria provided, conflicting classifications (1 of 4 stars). 2 submissions from 2 submitters: Uncertain significance (1); Likely benign (1). Last evaluated 2025-07-01.

Allele frequency attached by ClinVar (database versions not stated): gnomAD 0.00010; ExAC 0.00011; gnomAD exomes 0.00011; TOPMed 0.00012; ESP Exome Variant Server 0.00017.
gnomAD v4.1: 156 of 1,532,398 alleles (0.01%); highest among the groups gnomAD compares: Non-Finnish European, 0.013%; 1 homozygote.

Submissions (2):

CeGaT Center for Human Genetics Tuebingen
Classification: Likely benign. Last evaluated: 2025-07-01. Review status: criteria provided, single submitter. Criteria: CeGaT Center For Human Genetics Tuebingen Variant Classification Criteria Version 2. Collection method: clinical testing. Allele origin: germline. Affected: yes. Observed: 2 variant alleles.
Comment: SPEG: BP4, BP7

Labcorp Genetics (formerly Invitae), Labcorp
Classification: Uncertain significance. Last evaluated: 2024-11-12. Review status: criteria provided, single submitter. Criteria: Invitae Variant Classification Sherloc (09022015). Collection method: clinical testing. Allele origin: germline.
Comment: This sequence change affects codon 813 of the SPEG mRNA. It is a 'silent' change, meaning that it does not change the encoded amino acid sequence of the SPEG protein. It affects a nucleotide within the consensus splice site. This variant is present in population databases (rs372257767, gnomAD 0.03%), including at least one homozygous and/or hemizygous individual. This variant has not been reported in the literature in individuals affected with SPEG-related conditions. ClinVar contains an entry for this variant (Variation ID: 1518697). Algorithms developed to predict the effect of sequence changes on RNA splicing suggest that this variant is not likely to affect RNA splicing. In summary, the available evidence is currently insufficient to determine the role of this variant in disease. Therefore, it has been classified as a Variant of Uncertain Significance.